The following is an entry in ClinVar:

ClinVar aggregate classification (germline): Likely benign (1 of 4 stars; one submission).

Conditions:
Spermatogenic failure 4. Also called: AZOOSPERMIA WITH MATURATION ARREST; PREGNANCY LOSS 4. Identifiers: MedGen C0232981, MONDO:0010052, OMIM 270960.

Allele frequency attached by ClinVar (database versions not stated): gnomAD 0.00012 and 0.00013; gnomAD exomes 0.00012 and 0.00013; TOPMed 0.00012; ExAC 0.00014; 1000 Genomes Project 0.00060; 1000 Genomes Project 30x 0.00062.
gnomAD v4.1: 193 of 1,614,174 alleles (0.012%); highest among the groups gnomAD compares: South Asian, 0.022%; 2 homozygotes.

Submission:

Illumina Laboratory Services, Illumina
Classification: Likely benign for Spermatogenic failure 4. Last evaluated: 2018-03-06. Review status: criteria provided, single submitter. Criteria: ICSL Variant Classification Criteria 13 December 2019. Collection method: clinical testing. Allele origin: germline.
Comment: This variant was observed in the ICSL laboratory as part of a predisposition screen in an ostensibly healthy population. It had not been previously curated by ICSL or reported in the Human Gene Mutation Database (HGMD: prior to June 1st, 2018), and was therefore a candidate for classification through an automated scoring system. Utilizing variant allele frequency, disease prevalence and penetrance estimates, and inheritance mode, an automated score was calculated to assess if this variant is too frequent to cause the disease. Based on the score and internal cut-off values, a variant classified as likely benign is not then subjected to further curation. The score for this variant resulted in a classification of likely benign for this disease.

NM_001177949.2(SYCP3):c.80T>C (p.Phe27Ser)

Gene: SYCP3 (synaptonemal complex protein 3; minus strand). Cytogenetic location: 12q23.2.
Variant type: single nucleotide variant.
Coding change: c.80T>C on transcript NM_001177949.2 (MANE Select); coding-DNA position 80, T replaced by C.
Protein change: p.Phe27Ser; replaces phenylalanine 27 with serine.
Molecular consequence: missense variant.
Genome position (GRCh38, 1-based): chr12:101,737,856, A>G on the plus strand (T>C on the coding strand, the complement: SYCP3 is on the minus strand). VCF-style: chr12-101737856-A-G. GRCh37 (hg19) VCF-style: chr12-102131634-A-G.
Other names: c.80T>C, p.Phe27Ser (NM_001177948.2, NM_153694.5); short protein forms F27S.
Identifiers: ClinVar variation 880979 (VCV000880979.4), dbSNP rs193241367, ClinGen allele CA6746014.